The following is an entry in ClinVar:

NM_016169.4(SUFU):c.1022dup (p.Ser342fs)

Gene: SUFU (SUFU negative regulator of hedgehog signaling; plus strand). Cytogenetic location: 10q24.32.
Variant type: Duplication.
Coding change: c.1022dup on transcript NM_016169.4 (MANE Select); coding-DNA position 1022, one base duplicated (C; older notation c.1022dupC).
Protein change: p.Ser342fs; shifts the reading frame from serine 342.
Molecular consequence: frameshift variant.
Genome position (GRCh38, 1-based): chr10:102,599,544, C duplicated; the last of 4 consecutive C bases (chr10:102,599,541-102,599,544); duplicating any one gives the same sequence. VCF-style (leftmost placement, unchanged base first): chr10-102599540-G-GC. GRCh37 (hg19) VCF-style: chr10-104359297-G-GC.
Other names: c.1021dup (NM_016169.4); c.1022dup, p.Ser342fs (NM_001178133.2); short protein forms S342fs.
Identifiers: ClinVar variation 1691869 (VCV001691869.1), dbSNP rs2135889249, ClinGen allele CA2573145416.

ClinVar aggregate classification (germline): Likely pathogenic (1 of 4 stars; one submission).

Conditions:
Gorlin syndrome. Also called: Basal cell nevus syndrome; Nevoid Basal Cell Carcinoma Syndrome. Identifiers: Orphanet 377, MedGen C0004779, MONDO:0007187.

Submission:

Institute of Human Genetics, University of Leipzig Medical Center
Classification: Likely pathogenic for Basal cell nevus syndrome 1. Last evaluated: 2022-05-31. Review status: criteria provided, single submitter. Criteria: ACMG Guidelines, 2015. Collection method: clinical testing. Allele origin: unknown. Affected: yes.
Comment: _x000D_ Criteria applied: PVS1, PM2_SUP